The following is an entry in ClinVar:

NM_001204.7(BMPR2):c.319T>C (p.Ser107Pro)

Gene: BMPR2 (bone morphogenetic protein receptor type 2; plus strand). Cytogenetic location: 2q33.1.
Variant type: single nucleotide variant.
Coding change: c.319T>C on transcript NM_001204.7 (MANE Select); coding-DNA position 319, T replaced by C.
Protein change: p.Ser107Pro; replaces serine 107 with proline.
Molecular consequence: missense variant.
Genome position (GRCh38, 1-based): chr2:202,467,590, T>C. VCF-style: chr2-202467590-T-C. GRCh37 (hg19) VCF-style: chr2-203332313-T-C.
Other names: c.319T>C (LRG_712t1); short protein forms S107P.
Identifiers: ClinVar variation 425757 (VCV000425757.3), dbSNP rs1085307207, ClinGen allele CA350399659.

ClinVar aggregate classification (germline): Uncertain significance. Review status: criteria provided, single submitter (1 of 4 stars). 2 submissions from 2 submitters: Uncertain significance (1). 1 of the submissions does not count toward it. Last evaluated 2019-10-15.

Conditions:
Pulmonary arterial hypertension associated with congenital heart disease. Identifiers: Orphanet 275803, MedGen C3697119, MONDO:0017152.

Submissions (2):

GeneDx
Classification: Uncertain significance. Last evaluated: 2019-10-15. Review status: criteria provided, single submitter. Criteria: GeneDx Variant Classification Process June 2021. Collection method: clinical testing. Allele origin: germline. Affected: yes.
Comment: Published in vitro studies indicate that S107P may be detrimental to ligand binding (Yeh et al., 2012); Not observed in large population cohorts (Lek et al., 2016); In silico analysis, which includes protein predictors and evolutionary conservation, supports that this variant does not alter protein structure/function; This variant is associated with the following publications: (PMID: 22894880, 26387786, 16429395, 16361068, 30957726, 15358693)

Rare Disease Genomics Group, St George's University of London
Classification: Pathogenic for Pulmonary arterial hypertension associated with congenital heart disease. Review status: no assertion criteria provided. Collection method: literature only. Allele origin: germline. Affected: yes. Not counted in ClinVar's aggregate classification.

Literature cited by the submitters: PubMed 15358693 (cited by Rare Disease Genomics Group, St George's University of London).